The following is an entry in ClinVar:

NM_024753.5(TTC21B):c.2742C>T (p.Cys914=)

Gene: TTC21B (tetratricopeptide repeat domain 21B; minus strand). Cytogenetic location: 2q24.3.
Variant type: single nucleotide variant.
Coding change: c.2742C>T on transcript NM_024753.5 (MANE Select); coding-DNA position 2742, C replaced by T.
Protein change: p.Cys914=; no amino-acid change (cysteine 914 retained).
Molecular consequence: synonymous variant.
Genome position (GRCh38, 1-based): chr2:165,901,737, G>A on the plus strand (C>T on the coding strand, the complement: TTC21B is on the minus strand). VCF-style: chr2-165901737-G-A. GRCh37 (hg19) VCF-style: chr2-166758247-G-A.
Other names: p.Cys914=.
Identifiers: ClinVar variation 130654 (VCV000130654.35), dbSNP rs73018799, ClinGen allele CA155850.

ClinVar aggregate classification (germline): Benign. Review status: criteria provided, multiple submitters, no conflicts (2 of 4 stars). 12 submissions from 11 submitters: Benign (9). 3 of the submissions do not count toward it. Last evaluated 2026-02-01.

Conditions:
Connective tissue disorder. Also called: Connective tissue disease. Identifiers: MedGen C0009782, MONDO:0003900.
Jeune thoracic dystrophy. Also called: Short-rib thoracic dysplasia; Jeune syndrome; Infantile thoracic dystrophy; Thoracic pelvic phalangeal dystrophy; Jeune's syndrome; Chondroectodermal dysplasia-like syndrome. Identifiers: Orphanet 474, MedGen C0265275, MONDO:0018770.
Nephronophthisis. Also called: Juvenile Nephronophthisis. Identifiers: Orphanet 655, MedGen C0687120, MONDO:0019005, HP:0000090.
Asphyxiating thoracic dystrophy 4 (SRTD4). Also called: SHORT-RIB THORACIC DYSPLASIA 4 WITH OR WITHOUT POLYDACTYLY; SHORT-RIB THORACIC DYSPLASIA 4. Identifiers: Orphanet 474, MedGen C3151185, MONDO:0013441, OMIM 613819.
Nephronophthisis 12 (NPHP12). Identifiers: Orphanet 655, MedGen C3151186, MONDO:0013442, OMIM 613820.

Allele frequency attached by ClinVar (database versions not stated): gnomAD exomes 0.00097 and 0.00248; ExAC 0.00318; gnomAD 0.01002 and 0.01072; 1000 Genomes Project 0.01078; TOPMed 0.01086; 1000 Genomes Project 30x 0.01218; ESP Exome Variant Server 0.01276.
gnomAD v4.1: 3,013 of 1,613,642 alleles (0.19%); highest among the groups gnomAD compares: African/African-American, 3.4%; 56 homozygotes.

Submissions (12):

Labcorp Genetics (formerly Invitae), Labcorp
Classification: Benign for Jeune thoracic dystrophy; Nephronophthisis. Last evaluated: 2026-02-01. Review status: criteria provided, single submitter. Criteria: Invitae Variant Classification Sherloc (09022015). Collection method: clinical testing. Allele origin: germline.

Mayo Clinic Laboratories, Mayo Clinic
Classification: Benign. Last evaluated: 2023-12-13. Review status: criteria provided, single submitter. Criteria: ACMG Guidelines, 2015. Collection method: clinical testing. Allele origin: germline. Observed: 3 variant alleles.
Comment: BS1, BS2, BP4, BP7

ARUP Laboratories, Molecular Genetics and Genomics, ARUP Laboratories
Classification: Benign. Last evaluated: 2023-09-21. Review status: criteria provided, single submitter. Criteria: ARUP Molecular Germline Variant Investigation Process 2024. Collection method: clinical testing. Allele origin: germline.

Genome Diagnostics Laboratory, The Hospital for Sick Children
Classification: Benign for Connective tissue disorder. Last evaluated: 2020-05-01. Review status: criteria provided, single submitter. Criteria: ACMG Guidelines, 2015. Collection method: clinical testing. Allele origin: germline.

Illumina Laboratory Services, Illumina
Classification: Benign for Nephronophthisis 12. Last evaluated: 2018-01-13. Review status: criteria provided, single submitter. Criteria: ICSL Variant Classification Criteria 13 December 2019. Collection method: clinical testing. Allele origin: germline.
Comment: This variant was observed in the ICSL laboratory as part of a predisposition screen in an ostensibly healthy population. It had not been previously curated by ICSL or reported in the Human Gene Mutation Database (HGMD: prior to June 1st, 2018), and was therefore a candidate for classification through an automated scoring system. Utilizing variant allele frequency, disease prevalence and penetrance estimates, and inheritance mode, an automated score was calculated to assess if this variant is too frequent to cause the disease. Based on the score and internal cut-off values, a variant classified as benign is not then subjected to further curation. The score for this variant resulted in a classification of benign for this disease.

Illumina Laboratory Services, Illumina
Classification: Benign for Asphyxiating thoracic dystrophy 4. Last evaluated: 2018-01-13. Review status: criteria provided, single submitter. Criteria: ICSL Variant Classification Criteria 13 December 2019. Collection method: clinical testing. Allele origin: germline.
Comment: the same text as in the submission from Illumina Laboratory Services, Illumina above.

GeneDx
Classification: Benign. Last evaluated: 2016-11-25. Review status: criteria provided, single submitter. Criteria: GeneDx Variant Classification (06012015). Collection method: clinical testing. Allele origin: germline. Affected: yes.
Comment: This variant is considered likely benign or benign based on one or more of the following criteria: it is a conservative change, it occurs at a poorly conserved position in the protein, it is predicted to be benign by multiple in silico algorithms, and/or has population frequency not consistent with disease.

Breakthrough Genomics
Classification: Benign. Review status: criteria provided, single submitter. Criteria: ACMG Guidelines, 2015. Collection method: not provided. Allele origin: germline. Inheritance: Autosomal recessive inheritance. Affected: yes.

PreventionGenetics, part of Exact Sciences
Classification: Benign. Review status: criteria provided, single submitter. Criteria: ACMG Guidelines, 2015. Collection method: clinical testing. Allele origin: germline.

Clinical Genetics DNA and cytogenetics Diagnostics Lab, Erasmus MC, Erasmus Medical Center
Classification: Likely benign. Review status: no assertion criteria provided. Collection method: clinical testing. Allele origin: germline. Affected: yes. Study: VKGL Data-share Consensus. Not counted in ClinVar's aggregate classification.

Genetic Services Laboratory, University of Chicago
Classification: Likely benign for AllHighlyPenetrant. Review status: no assertion criteria provided. Collection method: clinical testing. Allele origin: germline. Inheritance: Autosomal recessive inheritance. Not counted in ClinVar's aggregate classification.
Comment: Likely benign based on allele frequency in 1000 Genomes Project or ESP global frequency and its presence in a patient with a rare or unrelated disease phenotype. NOT Sanger confirmed.

Genome Diagnostics Laboratory, University Medical Center Utrecht
Classification: Benign. Review status: no assertion criteria provided. Collection method: clinical testing. Allele origin: germline. Affected: yes. Study: VKGL Data-share Consensus. Not counted in ClinVar's aggregate classification.